The following is an entry in ClinVar:

NM_000095.3(COMP):c.1924T>A (p.Ser642Thr)

Gene: COMP (cartilage oligomeric matrix protein; minus strand). Cytogenetic location: 19p13.11.
Variant type: single nucleotide variant.
Coding change: c.1924T>A on transcript NM_000095.3 (MANE Select); coding-DNA position 1924, T replaced by A.
Protein change: p.Ser642Thr; replaces serine 642 with threonine.
Molecular consequence: missense variant.
Genome position (GRCh38, 1-based): chr19:18,784,354, A>T on the plus strand (T>A on the coding strand, the complement: COMP is on the minus strand). VCF-style: chr19-18784354-A-T. GRCh37 (hg19) VCF-style: chr19-18895164-A-T.
Other names: short protein forms S642T.
Identifiers: ClinVar variation 1376661 (VCV001376661.6), dbSNP rs749783671, ClinGen allele CA9316225.

ClinVar aggregate classification (germline): Uncertain significance (1 of 4 stars; one submission).

Allele frequency attached by ClinVar (database versions not stated): TOPMed below 0.00001; gnomAD exomes 0.00002 and 0.00004; ExAC 0.00004.
gnomAD v4.1: 11 of 1,613,886 alleles (0.00068%); highest among the groups gnomAD compares: Admixed American, 0.018%; no homozygotes.

Submission:

Labcorp Genetics (formerly Invitae), Labcorp
Classification: Uncertain significance. Last evaluated: 2025-11-26. Review status: criteria provided, single submitter. Criteria: Invitae Variant Classification Sherloc (09022015). Collection method: clinical testing. Allele origin: germline.
Comment: This sequence change replaces serine, which is neutral and polar, with threonine, which is neutral and polar, at codon 642 of the COMP protein (p.Ser642Thr). This variant is present in population databases (rs749783671, gnomAD 0.03%). This variant has not been reported in the literature in individuals affected with COMP-related conditions. ClinVar contains an entry for this variant (Variation ID: 1376661). Invitae Evidence Modeling of protein sequence and biophysical properties (such as structural, functional, and spatial information, amino acid conservation, physicochemical variation, residue mobility, and thermodynamic stability) indicates that this missense variant is expected to disrupt COMP protein function with a positive predictive value of 80%. In summary, the available evidence is currently insufficient to determine the role of this variant in disease. Therefore, it has been classified as a Variant of Uncertain Significance.